The following is an entry in ClinVar:

NM_006231.4(POLE):c.226A>T (p.Lys76Ter)

Gene: POLE (DNA polymerase epsilon, catalytic subunit; minus strand). Cytogenetic location: 12q24.33.
Variant type: single nucleotide variant.
Coding change: c.226A>T on transcript NM_006231.4 (MANE Select); coding-DNA position 226, A replaced by T.
Protein change: p.Lys76Ter; replaces lysine 76 with a stop codon.
Molecular consequence: nonsense.
Genome position (GRCh38, 1-based): chr12:132,680,666, T>A on the plus strand (A>T on the coding strand, the complement: POLE is on the minus strand). VCF-style: chr12-132680666-T-A. GRCh37 (hg19) VCF-style: chr12-133257252-T-A.
Other names: short protein forms K76*.
Identifiers: ClinVar variation 570917 (VCV000570917.17), dbSNP rs1468404698, ClinGen allele CA387369291.

ClinVar aggregate classification (germline): Conflicting classifications of pathogenicity. Review status: criteria provided, conflicting classifications (1 of 4 stars). 3 submissions from 3 submitters: Pathogenic (1); Uncertain significance (2). Last evaluated 2026-01-09.

Conditions:
Hereditary cancer-predisposing syndrome. Also called: Neoplastic Syndromes, Hereditary; Hereditary neoplastic syndrome; Tumor predisposition; Hereditary Cancer Syndrome. Identifiers: Orphanet 140162, MedGen C0027672, MeSH D009386, MONDO:0015356.

gnomAD v4.1: 1 of 1,613,730 alleles (0.000062%); highest among the groups gnomAD compares: Non-Finnish European, 0.000085%; no homozygotes.

Submissions (3):

Ambry Genetics
Classification: Uncertain significance for Hereditary cancer-predisposing syndrome. Last evaluated: 2026-01-09. Review status: criteria provided, single submitter. Criteria: Ambry Variant Classification Scheme 2023. Collection method: clinical testing. Allele origin: germline.
Comment: The p.K76* variant (also known as c.226A>T), located in coding exon 3 of the POLE gene, results from an A to T substitution at nucleotide position 226. This changes the amino acid from a lysine to a stop codon within coding exon 3. This alteration is expected to result in loss of function by premature protein truncation or nonsense-mediated mRNA decay. Although biallelic loss of function of POLE has been associated with autosomal recessive POLE deficiency, haploinsufficiency of POLE has not been established as a mechanism of disease for POLE-related polymerase proofreading-associated polyposis (PPAP) and POLE-related CMMRD-like syndrome. Based on the supporting evidence, this variant is expected to be causative of POLE deficiency when present along with a second pathogenic variant on the other allele; however, its clinical significance for PPAP and POLE-related CMMRD-like syndrome is unclear.

Labcorp Genetics (formerly Invitae), Labcorp
Classification: Pathogenic. Last evaluated: 2024-04-09. Review status: criteria provided, single submitter. Criteria: Invitae Variant Classification Sherloc (09022015). Collection method: clinical testing. Allele origin: germline.
Comment: This sequence change creates a premature translational stop signal (p.Lys76*) in the POLE gene. It is expected to result in an absent or disrupted protein product. Loss-of-function variants in POLE are known to be pathogenic (PMID: 23230001, 25948378, 30503519). This variant is not present in population databases (gnomAD no frequency). This variant has not been reported in the literature in individuals affected with POLE-related conditions. ClinVar contains an entry for this variant (Variation ID: 570917). RNA analysis performed to evaluate the impact of this premature translational stop signal on mRNA splicing indicates it does not significantly alter splicing (Invitae). For these reasons, this variant has been classified as Pathogenic.

GeneDx
Classification: Uncertain significance. Last evaluated: 2019-05-13. Review status: criteria provided, single submitter. Criteria: GeneDx Variant Classification Process June 2021. Collection method: clinical testing. Allele origin: germline. Affected: yes.
Comment: Not observed in large population cohorts (Lek et al., 2016); Has not been previously published as pathogenic or benign to our knowledge

Literature cited by the submitters: PubMed 23230001 (cited by Labcorp Genetics (formerly Invitae), Labcorp); PubMed 25948378 (cited by Labcorp Genetics (formerly Invitae), Labcorp); PubMed 30503519 (cited by Labcorp Genetics (formerly Invitae), Labcorp).